The following is an entry in ClinVar:

NM_001734.5(C1S):c.62G>A (p.Gly21Glu)

Gene: C1S (complement C1s; plus strand). Cytogenetic location: 12p13.31.
Variant type: single nucleotide variant.
Coding change: c.62G>A on transcript NM_001734.5 (MANE Select); coding-DNA position 62, G replaced by A.
Protein change: p.Gly21Glu; replaces glycine 21 with glutamic acid.
Molecular consequence: missense variant. On other transcripts: intron variant (1).
Genome position (GRCh38, 1-based): chr12:7,062,531, G>A. VCF-style: chr12-7062531-G-A. GRCh37 (hg19) VCF-style: chr12-7169835-G-A.
Other names: c.62G>A, p.Gly21Glu (NM_201442.4); c.-288-359G>A (NM_001346850.2); short protein forms G21E.
Identifiers: ClinVar variation 1364866 (VCV001364866.8), dbSNP rs1364270858, ClinGen allele CA383687675.

ClinVar aggregate classification (germline): Uncertain significance (1 of 4 stars; one submission).

Allele frequency attached by ClinVar (database versions not stated): gnomAD 0.00001; gnomAD exomes 0.00001; TOPMed 0.00001.
gnomAD v4.1: 5 of 1,613,746 alleles (0.00031%); highest among the groups gnomAD compares: Admixed American, 0.0083%; no homozygotes.

Submission:

Labcorp Genetics (formerly Invitae), Labcorp
Classification: Uncertain significance. Last evaluated: 2022-08-19. Review status: criteria provided, single submitter. Criteria: Invitae Variant Classification Sherloc (09022015). Collection method: clinical testing. Allele origin: germline.
Comment: This sequence change replaces glycine, which is neutral and non-polar, with glutamic acid, which is acidic and polar, at codon 21 of the C1S protein (p.Gly21Glu). This variant is present in population databases (no rsID available, gnomAD 0.009%). This variant has not been reported in the literature in individuals affected with C1S-related conditions. ClinVar contains an entry for this variant (Variation ID: 1364866). Algorithms developed to predict the effect of missense changes on protein structure and function (SIFT, PolyPhen-2, Align-GVGD) all suggest that this variant is likely to be disruptive. In summary, the available evidence is currently insufficient to determine the role of this variant in disease. Therefore, it has been classified as a Variant of Uncertain Significance.